The following is an entry in ClinVar:

ClinVar aggregate classification (germline): Uncertain significance. Review status: criteria provided, multiple submitters, no conflicts (2 of 4 stars). 5 submissions from 5 submitters: Uncertain significance (5). Last evaluated 2025-08-15.

Conditions:
Cardiovascular phenotype. Identifiers: MedGen CN230736.
Cardiac arrhythmia. Also called: Cardiac rhythm disease; Arrhythmia. Identifiers: MedGen C0003811, MONDO:0007263, HP:0011675.
Long QT syndrome (LQTS). Identifiers: MedGen C0023976, MeSH D008133, MONDO:0002442. Disease mechanism: loss of function. Inheritance: Various modes of inheritance.

Allele frequency attached by ClinVar (database versions not stated): TOPMed 0.00001.

Submissions (5):

GeneDx
Classification: Uncertain significance. Last evaluated: 2025-08-15. Review status: criteria provided, single submitter. Criteria: GeneDx Variant Classification Process June 2021. Collection method: clinical testing. Allele origin: germline. Affected: yes.
Comment: Not observed at significant frequency in large population cohorts (gnomAD); In silico analysis supports that this missense variant has a deleterious effect on protein structure/function; Has not been previously published as pathogenic or benign to our knowledge

Labcorp Genetics (formerly Invitae), Labcorp
Classification: Uncertain significance for Long QT syndrome. Last evaluated: 2024-09-03. Review status: criteria provided, single submitter. Criteria: Invitae Variant Classification Sherloc (09022015). Collection method: clinical testing. Allele origin: germline.
Comment: This sequence change replaces serine, which is neutral and polar, with tyrosine, which is neutral and polar, at codon 1137 of the KCNH2 protein (p.Ser1137Tyr). This variant is not present in population databases (gnomAD no frequency). This variant has not been reported in the literature in individuals affected with KCNH2-related conditions. ClinVar contains an entry for this variant (Variation ID: 966027). An algorithm developed to predict the effect of missense changes on protein structure and function (PolyPhen-2) suggests that this variant is likely to be disruptive. In summary, the available evidence is currently insufficient to determine the role of this variant in disease. Therefore, it has been classified as a Variant of Uncertain Significance.

Color Diagnostics, LLC DBA Color Health
Classification: Uncertain significance for Cardiac arrhythmia. Last evaluated: 2024-03-06. Review status: criteria provided, single submitter. Criteria: ACMG Guidelines, 2015. Collection method: clinical testing. Allele origin: germline.
Comment: This missense variant replaces serine with tyrosine at codon 1137 of the KCNH2 protein. Computational prediction suggests that this variant may have deleterious impact on protein structure and function (internally defined REVEL score threshold >= 0.7, PMID: 27666373). To our knowledge, functional studies have not been reported for this variant. This variant has not been reported in individuals affected with cardiovascular disorders in the literature. This variant has not been identified in the general population by the Genome Aggregation Database (gnomAD). The available evidence is insufficient to determine the role of this variant in disease conclusively. Therefore, this variant is classified as a Variant of Uncertain Significance.

All of Us Research Program, National Institutes of Health
Classification: Uncertain significance for Long QT syndrome. Last evaluated: 2023-11-30. Review status: criteria provided, single submitter. Criteria: ACMG Guidelines, 2015. Collection method: clinical testing. Allele origin: germline. Inheritance: Autosomal dominant inheritance. Observed: 1 variant allele, 1 heterozygote.
Comment: This missense variant replaces serine with tyrosine at codon 1137 of the KCNH2 protein. Computational prediction suggests that this variant may have deleterious impact on protein structure and function (internally defined REVEL score threshold >= 0.7, PMID: 27666373). To our knowledge, functional studies have not been reported for this variant. This variant has not been reported in individuals affected with cardiovascular disorders in the literature. This variant has not been identified in the general population by the Genome Aggregation Database (gnomAD). The available evidence is insufficient to determine the role of this variant in disease conclusively. Therefore, this variant is classified as a Variant of Uncertain Significance.

This study involves interpretation of variants in research participants for the purpose of population health screening. Participant phenotype was not available at the time of variant classification. Additional details can be found in publication PMID: 35346344, PMCID: PMC8962531

Ambry Genetics
Classification: Uncertain significance for Cardiovascular phenotype. Last evaluated: 2020-02-27. Review status: criteria provided, single submitter. Criteria: Ambry Variant Classification Scheme 2023. Collection method: clinical testing. Allele origin: germline.
Comment: The p.S1137Y variant (also known as c.3410C>A), located in coding exon 15 of the KCNH2 gene, results from a C to A substitution at nucleotide position 3410. The serine at codon 1137 is replaced by tyrosine, an amino acid with dissimilar properties, and is located in the C-terminal region of the protein. This amino acid position is highly conserved in available vertebrate species. In addition, this alteration is predicted to be deleterious by in silico analysis. Since supporting evidence is limited at this time, the clinical significance of this alteration remains unclear.

NM_000238.4(KCNH2):c.3410C>A (p.Ser1137Tyr)

Gene: KCNH2 (potassium voltage-gated channel subfamily H member 2; minus strand). Cytogenetic location: 7q36.1.
Variant type: single nucleotide variant.
Coding change: c.3410C>A on transcript NM_000238.4 (MANE Select); coding-DNA position 3410, C replaced by A.
Protein change: p.Ser1137Tyr; replaces serine 1137 with tyrosine.
Molecular consequence: missense variant.
Genome position (GRCh38, 1-based): chr7:150,945,435, G>T on the plus strand (C>A on the coding strand, the complement: KCNH2 is on the minus strand). VCF-style: chr7-150945435-G-T. GRCh37 (hg19) VCF-style: chr7-150642523-G-T.
Other names: c.3410C>A (NM_000238.2); c.2390C>A, p.Ser797Tyr (NM_172057.3); short protein forms S797Y, S1137Y.
Identifiers: ClinVar variation 966027 (VCV000966027.15), dbSNP rs1413026629, ClinGen allele CA369851472.